The following is an entry in ClinVar:

ClinVar aggregate classification (germline): Uncertain significance (1 of 4 stars; one submission).

Allele frequency attached by ClinVar (database versions not stated): gnomAD exomes 0.00006; ExAC 0.00007; gnomAD 0.00012 and 0.00013; TOPMed 0.00015; 1000 Genomes Project 30x 0.00031; 1000 Genomes Project 0.00040.
gnomAD v4.1: 100 of 1,613,138 alleles (0.0062%); highest among the groups gnomAD compares: African/African-American, 0.033%; no homozygotes.

Submission:

Labcorp Genetics (formerly Invitae), Labcorp
Classification: Uncertain significance. Last evaluated: 2024-10-15. Review status: criteria provided, single submitter. Criteria: Invitae Variant Classification Sherloc (09022015). Collection method: clinical testing. Allele origin: germline.
Comment: This sequence change replaces arginine, which is basic and polar, with glutamine, which is neutral and polar, at codon 1066 of the COL18A1 protein (p.Arg1066Gln). This variant is present in population databases (rs532685502, gnomAD 0.03%). This variant has not been reported in the literature in individuals affected with COL18A1-related conditions. ClinVar contains an entry for this variant (Variation ID: 1390806). Experimental studies and prediction algorithms are not available or were not evaluated, and the functional significance of this variant is currently unknown. In summary, the available evidence is currently insufficient to determine the role of this variant in disease. Therefore, it has been classified as a Variant of Uncertain Significance.

NM_001379500.1(COL18A1):c.3206G>A (p.Arg1069Gln)

Genes: COL18A1 (collagen type XVIII alpha 1 chain; plus strand), SLC19A1 (solute carrier family 19 member 1; minus strand). Cytogenetic location: 21q22.3.
Variant type: single nucleotide variant.
Coding change: c.3206G>A on transcript NM_001379500.1 (MANE Select); coding-DNA position 3206, G replaced by A.
Protein change: p.Arg1069Gln; replaces arginine 1069 with glutamine.
Molecular consequence: missense variant.
Genome position (GRCh38, 1-based): chr21:45,505,956, G>A. VCF-style: chr21-45505956-G-A. GRCh37 (hg19) VCF-style: chr21-46925870-G-A.
Other names: c.3737G>A, p.Arg1246Gln (NM_030582.4); c.4442G>A, p.Arg1481Gln (NM_130444.3); short protein forms R1481Q, R1069Q, R1246Q.
Identifiers: ClinVar variation 1390806 (VCV001390806.4), dbSNP rs532685502, ClinGen allele CA10067750.
Genomic context (GRCh38, chr21:45,505,956, plus strand): 5'-GCTGGCTCATCTTCGTGGCCGAGCAGGAGGAGCTCTACGTCCGCGTGCAGAACGGGTTCC[G>A]GAAGGTCCAGGTGAGCGCTCTGTGTGACGGGTTCTGGACCCGTGGAAGGGCCGAAGCCGC-3'
Protein context (NP_001366429.1, residues 1059-1079): ELYVRVQNGF[Arg1069Gln]KVQLEARTPL